The following is an entry in ClinVar:

NM_003151.4(STAT4):c.1930G>A (p.Asp644Asn)

Gene: STAT4 (signal transducer and activator of transcription 4; minus strand). Cytogenetic location: 2q32.2.
Variant type: single nucleotide variant.
Coding change: c.1930G>A on transcript NM_003151.4 (MANE Select); coding-DNA position 1930, G replaced by A.
Protein change: p.Asp644Asn; replaces aspartic acid 644 with asparagine.
Molecular consequence: missense variant.
Genome position (GRCh38, 1-based): chr2:191,033,072, C>T on the plus strand (G>A on the coding strand, the complement: STAT4 is on the minus strand). VCF-style: chr2-191033072-C-T. GRCh37 (hg19) VCF-style: chr2-191897798-C-T.
Other names: c.1930G>A, p.Asp644Asn (NM_001243835.2); short protein forms D644N.
Identifiers: ClinVar variation 2802978 (VCV002802978.3), dbSNP rs2470644147, ClinGen allele CA349907366.
Genomic context (GRCh38, chr2:191,033,072, plus strand): 5'-CAGGATATAGGTACTTCAGAGGGTTTTCAGGAATGTTTTCAGCCATAATAACTTTGTAGT[C>T]TCGCAGGATGTCAGCGAATGGCAGAGCAGACAACCGGCCTTTATTGTAGGGTTCTACAGA-3'
Protein context (NP_003142.1, residues 634-654): SALPFADILR[Asp644Asn]YKVIMAENIP

ClinVar aggregate classification (germline): Uncertain significance (1 of 4 stars; one submission).

Submission:

Labcorp Genetics (formerly Invitae), Labcorp
Classification: Uncertain significance. Last evaluated: 2023-06-10. Review status: criteria provided, single submitter. Criteria: Invitae Variant Classification Sherloc (09022015). Collection method: clinical testing. Allele origin: germline.
Comment: In summary, the available evidence is currently insufficient to determine the role of this variant in disease. Therefore, it has been classified as a Variant of Uncertain Significance. An algorithm developed to predict the effect of missense changes on protein structure and function (PolyPhen-2) suggests that this variant is likely to be tolerated. This variant has not been reported in the literature in individuals affected with STAT4-related conditions. This variant is not present in population databases (gnomAD no frequency). This sequence change replaces aspartic acid, which is acidic and polar, with asparagine, which is neutral and polar, at codon 644 of the STAT4 protein (p.Asp644Asn).